The following is an entry in ClinVar:

ClinVar aggregate classification (germline): Benign (0 of 4 stars; one submission).

Conditions:
ANKRD6-related disorder. Also called: ANKRD6-related condition.

Allele frequency attached by ClinVar (database versions not stated): ESP Exome Variant Server 0.03271; gnomAD 0.03677; ExAC 0.06356; 1000 Genomes Project 0.06390; 1000 Genomes Project 30x 0.06558.

Submission:

PreventionGenetics, part of Exact Sciences
Classification: Benign for ANKRD6-related condition. Last evaluated: 2020-02-19. Review status: no assertion criteria provided. Collection method: clinical testing. Allele origin: germline.
Comment: This variant is classified as benign based on ACMG/AMP sequence variant interpretation guidelines (Richards et al. 2015 PMID: 25741868, with internal and published modifications).

NM_001242809.2(ANKRD6):c.364C>G (p.Gln122Glu)

Gene: ANKRD6 (ankyrin repeat domain 6; plus strand). Cytogenetic location: 6q15.
Variant type: single nucleotide variant.
Coding change: c.364C>G on transcript NM_001242809.2 (MANE Select); coding-DNA position 364, C replaced by G.
Protein change: p.Gln122Glu; replaces glutamine 122 with glutamic acid.
Molecular consequence: missense variant. On other transcripts: intron variant (1).
Genome position (GRCh38, 1-based): chr6:89,606,052, C>G. VCF-style: chr6-89606052-C-G. GRCh37 (hg19) VCF-style: chr6-90315771-C-G.
Other names: c.364C>G, p.Gln122Glu (NM_001242811.1, NM_001242813.1, NM_014942.4); c.318+2925C>G (NM_001242814.1); short protein forms Q122E.
Identifiers: ClinVar variation 3041275 (VCV003041275.2), dbSNP rs16881983, ClinGen allele CA3921121.
Genomic context (GRCh38, chr6:89,606,052, plus strand): 5'-GTGTGTCTTCCTTAGGATGGGAATACAGCCTTGCATGAAGCATCCTGGCATGGTTTCAGC[C>G]AGTCAGCCAAGCTGCTCATTAAAGCAGGAGCCAACGTGCTTGCCAAGAACAAGGTGAGGC-3'
Protein context (NP_001229738.1, residues 112-132): LHEASWHGFS[Gln122Glu]SAKLLIKAGA